The following is an entry in ClinVar:

NM_000557.5(GDF5):c.901C>T (p.Arg301Ter)

Genes: GDF5 (growth differentiation factor 5; minus strand), GDF5-AS1 (GDF5 antisense RNA 1; plus strand). Cytogenetic location: 20q11.22.
Variant type: single nucleotide variant.
Coding change: c.901C>T on transcript NM_000557.5 (MANE Select); coding-DNA position 901, C replaced by T.
Protein change: p.Arg301Ter; replaces arginine 301 with a stop codon.
Molecular consequence: nonsense. On other transcripts: non-coding transcript variant (1).
Genome position (GRCh38, 1-based): chr20:35,434,514, G>A on the plus strand (C>T on the coding strand, the complement: GDF5 is on the minus strand). VCF-style: chr20-35434514-G-A. GRCh37 (hg19) VCF-style: chr20-34022312-G-A.
Other names: c.901C>T, p.Arg301Ter (NM_001319138.2); short protein forms R301*.
Identifiers: ClinVar variation 8378 (VCV000008378.39), dbSNP rs74315386, ClinGen allele CA119561.

ClinVar aggregate classification (germline): Pathogenic/Likely pathogenic. Review status: criteria provided, multiple submitters, no conflicts (2 of 4 stars). 4 submissions from 4 submitters: Pathogenic (1); Likely pathogenic (2). 1 of the submissions does not count toward it. Last evaluated 2023-06-03.

Conditions:
Multiple synostoses syndrome 2 (SYNS2). Identifiers: Orphanet 3237, MedGen C1832708, MONDO:0012394, OMIM 610017.
Brachydactyly type C (BDC). Identifiers: Orphanet 93384, MedGen C1862103, MONDO:0007221, OMIM 113100, HP:0009373.

gnomAD v4.1: 2 of 1,606,032 alleles (0.00012%); highest among the groups gnomAD compares: Non-Finnish European, 0.00017%; no homozygotes.

Submissions (4):

Labcorp Genetics (formerly Invitae), Labcorp
Classification: Pathogenic. Last evaluated: 2023-06-03. Review status: criteria provided, single submitter. Criteria: Invitae Variant Classification Sherloc (09022015). Collection method: clinical testing. Allele origin: germline.
Comment: For these reasons, this variant has been classified as Pathogenic. This variant disrupts a region of the GDF5 protein in which other variant(s) (p.Arg380Gln) have been determined to be pathogenic (PMID: 18203755). This suggests that this is a clinically significant region of the protein, and that variants that disrupt it are likely to be disease-causing. ClinVar contains an entry for this variant (Variation ID: 8378). This premature translational stop signal has been observed in individual(s) with brachydactyly (PMID: 9288091). This variant is not present in population databases (gnomAD no frequency). This sequence change creates a premature translational stop signal (p.Arg301*) in the GDF5 gene. While this is not anticipated to result in nonsense mediated decay, it is expected to disrupt the last 201 amino acid(s) of the GDF5 protein.

Laboratorio de Genetica e Diagnostico Molecular, Hospital Israelita Albert Einstein
Classification: Likely pathogenic for Multiple synostoses syndrome 2. Last evaluated: 2022-10-21. Review status: criteria provided, single submitter. Criteria: ACMG Guidelines, 2015. Collection method: clinical testing. Allele origin: germline. Affected: yes. Observed: 1 variant allele.
Comment: ACMG classification criteria: PVS1 strong, PM2 moderated

CeGaT Center for Human Genetics Tuebingen
Classification: Likely pathogenic. Last evaluated: 2022-01-01. Review status: criteria provided, single submitter. Criteria: CeGaT Center For Human Genetics Tuebingen Variant Classification Criteria Version 2. Collection method: clinical testing. Allele origin: germline. Affected: yes. Observed: 1 variant allele.

OMIM
Classification: Pathogenic for BRACHYDACTYLY, TYPE C. Last evaluated: 1997-09-01. Review status: no assertion criteria provided. Collection method: literature only. Allele origin: germline. Not counted in ClinVar's aggregate classification.

Literature cited by the submitters: PubMed 18203755 (cited by Labcorp Genetics (formerly Invitae), Labcorp); PubMed 9288091 (cited by Labcorp Genetics (formerly Invitae), Labcorp and OMIM); PubMed 9024575 (cited by OMIM).